The following is an entry in ClinVar:

NM_000141.5(FGFR2):c.1810G>A (p.Val604Met)

Gene: FGFR2 (fibroblast growth factor receptor 2; minus strand). Cytogenetic location: 10q26.13.
Variant type: single nucleotide variant.
Coding change: c.1810G>A on transcript NM_000141.5 (MANE Select); coding-DNA position 1810, G replaced by A.
Protein change: p.Val604Met; replaces valine 604 with methionine.
Molecular consequence: missense variant. On other transcripts: non-coding transcript variant (1).
Genome position (GRCh38, 1-based): chr10:121,496,585, C>T on the plus strand (G>A on the coding strand, the complement: FGFR2 is on the minus strand). VCF-style: chr10-121496585-C-T. GRCh37 (hg19) VCF-style: chr10-123256099-C-T.
Other names: c.1546G>A, p.Val516Met (NM_001144919.2); c.1126G>A, p.Val376Met (NM_001320654.2); c.1804G>A, p.Val602Met (NM_001320658.2); c.1813G>A, p.Val605Met (NM_022970.4, NM_001144913.1); c.1543G>A, p.Val515Met (NM_023029.3, NM_001144915.2); c.1474G>A, p.Val492Met (NM_001144914.1); c.1465G>A, p.Val489Met (NM_001144916.2); c.1462G>A, p.Val488Met (NM_001144917.2); and 1 more; short protein forms V376M, V487M, V488M, V489M, V492M, V515M, V516M, V602M.
Identifiers: ClinVar variation 3893409 (VCV003893409.1).

ClinVar aggregate classification (germline): Uncertain significance (1 of 4 stars; one submission).

Submission:

GeneDx
Classification: Uncertain significance. Last evaluated: 2024-10-21. Review status: criteria provided, single submitter. Criteria: GeneDx Variant Classification Process June 2021. Collection method: clinical testing. Allele origin: germline. Affected: yes.
Comment: Not observed at significant frequency in large population cohorts (gnomAD); In silico analysis supports that this missense variant has a deleterious effect on protein structure/function; Has not been previously published as pathogenic or benign to our knowledge